The following is an entry in ClinVar:

NM_007294.4(BRCA1):c.1712T>A (p.Ile571Lys)

Gene: BRCA1 (BRCA1 DNA repair associated; minus strand). Cytogenetic location: 17q21.31.
Variant type: single nucleotide variant.
Coding change: c.1712T>A on transcript NM_007294.4 (MANE Select); coding-DNA position 1712, T replaced by A.
Protein change: p.Ile571Lys; replaces isoleucine 571 with lysine.
Molecular consequence: missense variant. On other transcripts: intron variant (137).
Genome position (GRCh38, 1-based): chr17:43,093,819, A>T on the plus strand (T>A on the coding strand, the complement: BRCA1 is on the minus strand). VCF-style: chr17-43093819-A-T. GRCh37 (hg19) VCF-style: chr17-41245836-A-T.
Other names: c.1499T>A, p.Ile500Lys (NM_001407571.1, NM_001407853.1, NM_001407894.1 and 9 more transcripts); c.1712T>A, p.Ile571Lys (NM_001407581.1, NM_001407582.1, NM_001407583.1 and 30 more transcripts); c.1709T>A, p.Ile570Lys (NM_001407587.1, NM_001407590.1, NM_001407591.1 and 22 more transcripts); c.1703T>A, p.Ile568Lys (NM_001407646.1, NM_001407647.1); c.1589T>A, p.Ile530Lys (NM_001407648.1, NM_001407664.1, NM_001407665.1 and 19 more transcripts); c.1586T>A, p.Ile529Lys (NM_001407649.1, NM_001407670.1, NM_001407671.1 and 11 more transcripts); c.1634T>A, p.Ile545Lys (NM_001407653.1, NM_001407654.1, NM_001407655.1 and 4 more transcripts); c.1631T>A, p.Ile544Lys (NM_001407659.1, NM_001407660.1, NM_001407661.1 and 1 more transcripts); and 40 more; short protein forms I571K, I524K, I275K, I459K, I460K, I483K, I523K, I570K.
Identifiers: ClinVar variation 481467 (VCV000481467.12), dbSNP rs80357159, ClinGen allele CA10598603.
Genomic context (GRCh38, chr17:43,093,819, plus strand): 5'-ATACTGCTGCTTATAGGTTCAGCTTTCGTTTTGAAAGCAGATTCTTTTTCGAGTGATTCT[A>T]TTGGGTTAGGATTTTTCTCATTCTGAATAGAATCACCTTTTGTTTTATTCTCATGACCAC-3'
Protein context (NP_009225.1, residues 561-581): SIQNEKNPNP[Ile571Lys]ESLEKESAFK

ClinVar aggregate classification (germline): Conflicting classifications of pathogenicity. Review status: criteria provided, conflicting classifications (1 of 4 stars). 3 submissions from 3 submitters: Uncertain significance (2); Likely benign (1). Last evaluated 2025-11-08.

Conditions:
Hereditary cancer-predisposing syndrome. Also called: Hereditary Cancer Syndrome; Neoplastic Syndromes, Hereditary; Tumor predisposition; Hereditary neoplastic syndrome. Identifiers: Orphanet 140162, MedGen C0027672, MeSH D009386, MONDO:0015356.
Hereditary breast ovarian cancer syndrome. Also called: Hereditary breast and ovarian cancer syndrome; Hereditary breast and ovarian cancer; Hereditary breast and ovarian cancer syndrome (HBOC); Breast and ovarian cancer; Hereditary breast and/or ovarian cancer syndrome; BRCA1- and BRCA2-Associated Hereditary Breast and Ovarian Cancer. Identifiers: Orphanet 145, MedGen C0677776, MeSH D061325, MONDO:0003582. Disease mechanism: loss of function.

Submissions (3):

Ambry Genetics
Classification: Uncertain significance for Hereditary cancer-predisposing syndrome. Last evaluated: 2025-11-08. Review status: criteria provided, single submitter. Criteria: Ambry Variant Classification Scheme 2023. Collection method: clinical testing. Allele origin: germline.
Comment: The p.I571K variant (also known as c.1712T>A), located in coding exon 9 of the BRCA1 gene, results from a T to A substitution at nucleotide position 1712. The isoleucine at codon 571 is replaced by lysine, an amino acid with dissimilar properties. This amino acid position is poorly conserved in available vertebrate species. In addition, the in silico prediction for this alteration is inconclusive. Since supporting evidence is limited at this time, the clinical significance of this alteration remains unclear.

Labcorp Genetics (formerly Invitae), Labcorp
Classification: Uncertain significance for Hereditary breast ovarian cancer syndrome. Last evaluated: 2023-04-16. Review status: criteria provided, single submitter. Criteria: Invitae Variant Classification Sherloc (09022015). Collection method: clinical testing. Allele origin: germline.
Comment: This variant is not present in population databases (gnomAD no frequency). This sequence change replaces isoleucine, which is neutral and non-polar, with lysine, which is basic and polar, at codon 571 of the BRCA1 protein (p.Ile571Lys). In summary, the available evidence is currently insufficient to determine the role of this variant in disease. Therefore, it has been classified as a Variant of Uncertain Significance. Advanced modeling of protein sequence and biophysical properties (such as structural, functional, and spatial information, amino acid conservation, physicochemical variation, residue mobility, and thermodynamic stability) performed at Invitae indicates that this missense variant is not expected to disrupt BRCA1 protein function. ClinVar contains an entry for this variant (Variation ID: 481467). This variant has not been reported in the literature in individuals affected with BRCA1-related conditions.

University of Washington Department of Laboratory Medicine, University of Washington
Classification: Likely benign for Hereditary cancer-predisposing syndrome. Last evaluated: 2023-03-23. Review status: criteria provided, single submitter. Criteria: Dines et al. (Genet Med. 2020). Collection method: curation. Allele origin: germline.
Comment: Missense variant in a coldspot region where missense variants are very unlikely to be pathogenic (PMID:31911673).

BRCA1 coldspot (exon 11 using historical exon numbering). Reclassification based on statistical prior probability